The following is an entry in ClinVar:

ClinVar aggregate classification (germline): Likely benign. Review status: criteria provided, multiple submitters, no conflicts (2 of 4 stars). 2 submissions from 2 submitters: Likely benign (2). Last evaluated 2024-07-26.

Conditions:
Familial cancer of breast. Also called: Hereditary breast cancer; hereditary breast carcinoma; BREAST CANCER, FAMILIAL. Identifiers: Orphanet 227535, MedGen C0346153, MONDO:0016419, OMIM 114480. Disease mechanism: loss of function.

Allele frequency attached by ClinVar (database versions not stated): gnomAD exomes below 0.00001.
gnomAD v4.1: 2 of 1,613,836 alleles (0.00012%); highest among the groups gnomAD compares: Non-Finnish European, 0.00017%; no homozygotes.

Submissions (2):

Myriad Genetics, Inc.
Classification: Likely benign for Familial cancer of breast. Last evaluated: 2024-07-26. Review status: criteria provided, single submitter. Criteria: Myriad Autosomal Dominant, Autosomal Recessive and X-Linked Classification Criteria (2023). Collection method: clinical testing. Allele origin: unknown.
Comment: This variant is considered likely benign. This variant is intronic and is not expected to impact mRNA splicing.

Labcorp Genetics (formerly Invitae), Labcorp
Classification: Likely benign for Familial cancer of breast. Last evaluated: 2023-11-27. Review status: criteria provided, single submitter. Criteria: Invitae Variant Classification Sherloc (09022015). Collection method: clinical testing. Allele origin: germline.

NM_000465.4(BARD1):c.1678-10A>T

Gene: BARD1 (BRCA1 associated RING domain 1; minus strand). Cytogenetic location: 2q35.
Variant type: single nucleotide variant.
Coding change: c.1678-10A>T on transcript NM_000465.4 (MANE Select); 10 bases into the intron before coding-DNA position 1678, A replaced by T.
Molecular consequence: intron variant.
Genome position (GRCh38, 1-based): chr2:214,745,864, T>A on the plus strand (A>T on the coding strand, the complement: BARD1 is on the minus strand). VCF-style: chr2-214745864-T-A. GRCh37 (hg19) VCF-style: chr2-215610588-T-A.
Other names: c.268-10A>T (NM_001282548.2); c.1621-10A>T (NM_001282543.2); c.325-10A>T (NM_001282545.2); c.365-15356A>T (NM_001282549.2).
Identifiers: ClinVar variation 1563265 (VCV001563265.10), dbSNP rs2106021515, ClinGen allele CA2573135121.